The following is an entry in ClinVar:

ClinVar aggregate classification (germline): Uncertain significance (1 of 4 stars; one submission).

Submission:

Labcorp Genetics (formerly Invitae), Labcorp
Classification: Uncertain significance. Last evaluated: 2022-03-07. Review status: criteria provided, single submitter. Criteria: Invitae Variant Classification Sherloc (09022015). Collection method: clinical testing. Allele origin: germline.
Comment: In summary, the available evidence is currently insufficient to determine the role of this variant in disease. Therefore, it has been classified as a Variant of Uncertain Significance. Experimental studies and prediction algorithms are not available or were not evaluated, and the functional significance of this variant is currently unknown. This variant has not been reported in the literature in individuals affected with CACNA1E-related conditions. This variant is not present in population databases (gnomAD no frequency). This sequence change creates a premature translational stop signal (p.Arg2114Profs*31) in the CACNA1E gene. While this is not anticipated to result in nonsense mediated decay, it is expected to disrupt the last 157 amino acid(s) of the CACNA1E protein.

NM_001205293.3(CACNA1E):c.6469dup (p.Arg2157fs)

Gene: CACNA1E (calcium voltage-gated channel subunit alpha1 E; plus strand). Cytogenetic location: 1q25.3.
Variant type: Duplication.
Coding change: c.6469dup on transcript NM_001205293.3 (MANE Select); coding-DNA position 6469, one base duplicated (C; older notation c.6469dupC).
Protein change: p.Arg2157fs; shifts the reading frame from arginine 2157.
Molecular consequence: frameshift variant.
Genome position (GRCh38, 1-based): chr1:181,798,361, C duplicated. VCF-style (leftmost placement, unchanged base first): chr1-181798360-T-TC. GRCh37 (hg19) VCF-style: chr1-181767496-T-TC.
Other names: c.6340dup, p.Arg2114fs (NM_000721.4); c.6283dup, p.Arg2095fs (NM_001205294.2); short protein forms R2095fs, R2114fs, R2157fs.
Identifiers: ClinVar variation 2107443 (VCV002107443.4), dbSNP rs2525528226, ClinGen allele CA2580061578.
Genomic context (GRCh38, chr1:181,798,360, plus strand): 5'-TTCCCTAAGTGAGAGCTCCATCCCCTCTGTCTCTGACACCAGCACCCCAAGAAGAAGTCG[T>TC]CGGCAGCTCCCACCCGTCCCGCCAAAGCCCCGGCCCCTCCTTTCCTACAGCTCCCTGATT-3'